The following is an entry in ClinVar:

NM_005263.5(GFI1):c.212C>T (p.Ser71Phe)

Gene: GFI1 (growth factor independent 1 transcriptional repressor; minus strand). Cytogenetic location: 1p22.1.
Variant type: single nucleotide variant.
Coding change: c.212C>T on transcript NM_005263.5 (MANE Select); coding-DNA position 212, C replaced by T.
Protein change: p.Ser71Phe; replaces serine 71 with phenylalanine.
Molecular consequence: missense variant.
Genome position (GRCh38, 1-based): chr1:92,482,950, G>A on the plus strand (C>T on the coding strand, the complement: GFI1 is on the minus strand). VCF-style: chr1-92482950-G-A. GRCh37 (hg19) VCF-style: chr1-92948507-G-A.
Other names: c.212C>T, p.Ser71Phe (NM_001127215.3, NM_001127216.3); short protein forms S71F.
Identifiers: ClinVar variation 3616641 (VCV003616641.2).

ClinVar aggregate classification (germline): Uncertain significance (1 of 4 stars; one submission).

Conditions:
Neutropenia, severe congenital, 2, autosomal dominant. Identifiers: Orphanet 486, MedGen C2751288, MONDO:0013139, OMIM 613107.

gnomAD v4.1: 10 of 1,613,740 alleles (0.00062%); highest among the groups gnomAD compares: East Asian, 0.016%; no homozygotes.

Submission:

Labcorp Genetics (formerly Invitae), Labcorp
Classification: Uncertain significance for Neutropenia, severe congenital, 2, autosomal dominant. Last evaluated: 2025-02-27. Review status: criteria provided, single submitter. Criteria: Invitae Variant Classification Sherloc (09022015). Collection method: clinical testing. Allele origin: germline.
Comment: This sequence change replaces serine, which is neutral and polar, with phenylalanine, which is neutral and non-polar, at codon 71 of the GFI1 protein (p.Ser71Phe). This variant is present in population databases (rs763578383, gnomAD 0.03%). This variant has not been reported in the literature in individuals affected with GFI1-related conditions. Invitae Evidence Modeling of protein sequence and biophysical properties (such as structural, functional, and spatial information, amino acid conservation, physicochemical variation, residue mobility, and thermodynamic stability) indicates that this missense variant is not expected to disrupt GFI1 protein function with a negative predictive value of 80%. In summary, the available evidence is currently insufficient to determine the role of this variant in disease. Therefore, it has been classified as a Variant of Uncertain Significance.